The following is an entry in ClinVar:

NM_001365999.1(SZT2):c.1061G>A (p.Gly354Glu)

Gene: SZT2 (SZT2 subunit of KICSTOR complex; plus strand). Cytogenetic location: 1p34.2.
Variant type: single nucleotide variant.
Coding change: c.1061G>A on transcript NM_001365999.1 (MANE Select); coding-DNA position 1061, G replaced by A.
Protein change: p.Gly354Glu; replaces glycine 354 with glutamic acid.
Molecular consequence: missense variant.
Genome position (GRCh38, 1-based): chr1:43,419,915, G>A. VCF-style: chr1-43419915-G-A. GRCh37 (hg19) VCF-style: chr1-43885586-G-A.
Other names: c.1061G>A, p.Gly354Glu (NM_015284.4); short protein forms G354E.
Identifiers: ClinVar variation 4527478 (VCV004527478.1).

ClinVar aggregate classification (germline): Uncertain significance (1 of 4 stars; one submission).

gnomAD v4.1: 4 of 1,598,190 alleles (0.00025%); highest among the groups gnomAD compares: Admixed American, 0.0067%; no homozygotes.

Submission:

GeneDx
Classification: Uncertain significance. Last evaluated: 2025-04-30. Review status: criteria provided, single submitter. Criteria: GeneDx Variant Classification Process June 2021. Collection method: clinical testing. Allele origin: germline. Affected: yes.
Comment: Not observed at significant frequency in large population cohorts (gnomAD); In silico analysis indicates that this missense variant does not alter protein structure/function; Has not been previously published as pathogenic or benign to our knowledge